The following is an entry in ClinVar:

NM_015559.3(SETBP1):c.2309C>G (p.Ala770Gly)

Gene: SETBP1 (SET binding protein 1; plus strand). Cytogenetic location: 18q12.3.
Variant type: single nucleotide variant.
Coding change: c.2309C>G on transcript NM_015559.3 (MANE Select); coding-DNA position 2309, C replaced by G.
Protein change: p.Ala770Gly; replaces alanine 770 with glycine.
Molecular consequence: missense variant.
Genome position (GRCh38, 1-based): chr18:44,951,649, C>G. VCF-style: chr18-44951649-C-G. GRCh37 (hg19) VCF-style: chr18-42531614-C-G.
Other names: c.2309C>G, p.Ala770Gly (NM_001379141.1, NM_001379142.1); short protein forms A770G.
Identifiers: ClinVar variation 994210 (VCV000994210.16), dbSNP rs2071354469, ClinGen allele CA402320866.
Genomic context (GRCh38, chr18:44,951,649, plus strand): 5'-GGCCTGTTTCTAGCCAGCCGGATGTTCCAGCCGTGCCTTCCAACTTTCAGTCACTTGTGG[C>G]GTCTTCACCAGCAGCTATGCACCCACTTTCAACACAGTTAGGTGGGTCCAATGGCAACCT-3'
Protein context (NP_056374.2, residues 760-780): AVPSNFQSLV[Ala770Gly]SSPAAMHPLS

ClinVar aggregate classification (germline): Uncertain significance. Review status: criteria provided, multiple submitters, no conflicts (2 of 4 stars). 2 submissions from 2 submitters: Uncertain significance (2). Last evaluated 2024-07-03.

Allele frequency attached by ClinVar (database versions not stated): TOPMed 0.00001.
gnomAD v4.1: 15 of 1,614,114 alleles (0.00093%); highest among the groups gnomAD compares: Non-Finnish European, 0.0013%; no homozygotes.

Submissions (2):

Labcorp Genetics (formerly Invitae), Labcorp
Classification: Uncertain significance. Last evaluated: 2024-07-03. Review status: criteria provided, single submitter. Criteria: Invitae Variant Classification Sherloc (09022015). Collection method: clinical testing. Allele origin: germline.
Comment: This sequence change replaces alanine, which is neutral and non-polar, with glycine, which is neutral and non-polar, at codon 770 of the SETBP1 protein (p.Ala770Gly). This variant is not present in population databases (gnomAD no frequency). This variant has not been reported in the literature in individuals affected with SETBP1-related conditions. ClinVar contains an entry for this variant (Variation ID: 994210). Advanced modeling of protein sequence and biophysical properties (such as structural, functional, and spatial information, amino acid conservation, physicochemical variation, residue mobility, and thermodynamic stability) performed at Invitae indicates that this missense variant is not expected to disrupt SETBP1 protein function with a negative predictive value of 80%. In summary, the available evidence is currently insufficient to determine the role of this variant in disease. Therefore, it has been classified as a Variant of Uncertain Significance.

ARUP Laboratories, Molecular Genetics and Genomics, ARUP Laboratories
Classification: Uncertain significance. Last evaluated: 2020-01-09. Review status: criteria provided, single submitter. Criteria: ARUP Molecular Germline Variant Investigation Process. Collection method: clinical testing. Allele origin: germline.